The following is an entry in ClinVar:

ClinVar aggregate classification (germline): Uncertain significance (1 of 4 stars; one submission).

gnomAD v4.1: 1 of 1,614,154 alleles (0.000062%); highest among the groups gnomAD compares: Admixed American, 0.0017%; no homozygotes.

Submission:

Mayo Clinic Laboratories, Mayo Clinic
Classification: Uncertain significance. Last evaluated: 2023-11-06. Review status: criteria provided, single submitter. Criteria: ACMG Guidelines, 2015. Collection method: clinical testing. Allele origin: germline. Observed: 1 variant allele.
Comment: BP4, PM2_moderate

NM_003850.3(SUCLA2):c.137A>T (p.Gln46Leu)

Gene: SUCLA2 (succinate-CoA ligase ADP-forming subunit beta; minus strand). Cytogenetic location: 13q14.2.
Variant type: single nucleotide variant.
Coding change: c.137A>T on transcript NM_003850.3 (MANE Select); coding-DNA position 137, A replaced by T.
Protein change: p.Gln46Leu; replaces glutamine 46 with leucine.
Molecular consequence: missense variant.
Genome position (GRCh38, 1-based): chr13:47,996,977, T>A on the plus strand (A>T on the coding strand, the complement: SUCLA2 is on the minus strand). VCF-style: chr13-47996977-T-A. GRCh37 (hg19) VCF-style: chr13-48571112-T-A.
Other names: p.Gln46Leu; short protein forms Q46L.
Identifiers: ClinVar variation 3380150 (VCV003380150.1).